The following is an entry in ClinVar:

NM_004656.4(BAP1):c.840G>T (p.Gln280His)

Gene: BAP1 (BRCA1 associated deubiquitinase 1; minus strand). Cytogenetic location: 3p21.1.
Variant type: single nucleotide variant.
Coding change: c.840G>T on transcript NM_004656.4 (MANE Select); coding-DNA position 840, G replaced by T.
Protein change: p.Gln280His; replaces glutamine 280 with histidine.
Molecular consequence: missense variant.
Genome position (GRCh38, 1-based): chr3:52,405,856, C>A on the plus strand (G>T on the coding strand, the complement: BAP1 is on the minus strand). VCF-style: chr3-52405856-C-A. GRCh37 (hg19) VCF-style: chr3-52439872-C-A.
Other names: short protein forms Q280H.
Identifiers: ClinVar variation 1692862 (VCV001692862.6), dbSNP rs2153227258, ClinGen allele CA353106794.

ClinVar aggregate classification (germline): Uncertain significance. Review status: criteria provided, multiple submitters, no conflicts (2 of 4 stars). 4 submissions from 4 submitters: Uncertain significance (4). Last evaluated 2026-02-02.

Conditions:
Hereditary cancer-predisposing syndrome. Also called: Tumor predisposition; Hereditary Cancer Syndrome; Hereditary neoplastic syndrome; Neoplastic Syndromes, Hereditary. Identifiers: Orphanet 140162, MedGen C0027672, MeSH D009386, MONDO:0015356.
BAP1-related tumor predisposition syndrome (TPDS1). Also called: Tumor susceptibility linked to germline BAP1 mutations; BAP1 tumor predisposition syndrome; COMMON Syndrome; TUMOR PREDISPOSITION SYNDROME 1. Identifiers: Orphanet 289539, MedGen C3280492, MONDO:0013692, OMIM 614327.

Submissions (4):

Ambry Genetics
Classification: Uncertain significance for Hereditary cancer-predisposing syndrome. Last evaluated: 2026-02-02. Review status: criteria provided, single submitter. Criteria: Ambry Variant Classification Scheme 2023. Collection method: clinical testing. Allele origin: germline.
Comment: The p.Q280H variant (also known as c.840G>T), located in coding exon 10 of the BAP1 gene, results from a G to T substitution at nucleotide position 840. The glutamine at codon 280 is replaced by histidine, an amino acid with highly similar properties. This amino acid position is highly conserved in available vertebrate species. In addition, this alteration is predicted to be tolerated by in silico analysis. Based on the available evidence, the clinical significance of this variant remains unclear.

Labcorp Genetics (formerly Invitae), Labcorp
Classification: Uncertain significance for BAP1-related tumor predisposition syndrome. Last evaluated: 2025-06-09. Review status: criteria provided, single submitter. Criteria: Invitae Variant Classification Sherloc (09022015). Collection method: clinical testing. Allele origin: germline.
Comment: This sequence change replaces glutamine, which is neutral and polar, with histidine, which is basic and polar, at codon 280 of the BAP1 protein (p.Gln280His). This variant is not present in population databases (gnomAD no frequency). This variant has not been reported in the literature in individuals affected with BAP1-related conditions. ClinVar contains an entry for this variant (Variation ID: 1692862). Invitae Evidence Modeling of protein sequence and biophysical properties (such as structural, functional, and spatial information, amino acid conservation, physicochemical variation, residue mobility, and thermodynamic stability) indicates that this missense variant is not expected to disrupt BAP1 protein function with a negative predictive value of 80%. In summary, the available evidence is currently insufficient to determine the role of this variant in disease. Therefore, it has been classified as a Variant of Uncertain Significance.

Baylor Genetics
Classification: Uncertain significance for BAP1-related tumor predisposition syndrome. Last evaluated: 2023-09-21. Review status: criteria provided, single submitter. Criteria: ACMG Guidelines, 2015. Collection method: clinical testing. Allele origin: unknown.

Sema4
Classification: Uncertain significance for Hereditary cancer-predisposing syndrome. Last evaluated: 2021-08-06. Review status: criteria provided, single submitter. Criteria: Sema4 Curation Guidelines. Collection method: curation. Allele origin: germline.
Comment: The BAP1 c.840G>T (p.Q280H) variant has not been reported in the literature to our knowledge. It was not observed in the large and broad cohorts of the Genome Aggregation Database, nor has it been reported in ClinVar. In silico tools suggest the impact of the variant on protein function is benign, though these predictions have not been confirmed by functional studies.The evidence is insufficient to meet ACMG/AMP criteria for classifying the variant as benign or pathogenic. Thus, the clinical significance of this variant is currently uncertain.